The following is an entry in ClinVar:

NM_000525.4(KCNJ11):c.-515G>A

Gene: KCNJ11 (potassium inwardly rectifying channel subfamily J member 11; minus strand). Cytogenetic location: 11p15.1.
Variant type: single nucleotide variant.
Coding change: c.-515G>A on transcript NM_000525.4 (MANE Select); 515 bases upstream of the start codon, G replaced by A.
Molecular consequence: 5 prime UTR variant. On other transcripts: intron variant (3).
Genome position (GRCh38, 1-based): chr11:17,388,606, C>T on the plus strand (G>A on the coding strand, the complement: KCNJ11 is on the minus strand). VCF-style: chr11-17388606-C-T. GRCh37 (hg19) VCF-style: chr11-17410153-C-T.
Other names: c.-17+568G>A (NM_001166290.2); c.-17+235G>A (NM_001377297.1); c.-76+235G>A (NM_001377296.1).
Identifiers: ClinVar variation 303743 (VCV000303743.6), dbSNP rs886048044, ClinGen allele CA10630463.

ClinVar aggregate classification (germline): Uncertain significance. Review status: criteria provided, multiple submitters, no conflicts (2 of 4 stars). 4 submissions from 2 submitters: Uncertain significance (4). Last evaluated 2018-01-13.

Conditions:
Maturity-onset diabetes of the young type 13. Also called: MODY, TYPE 13. Identifiers: Orphanet 552, MedGen C4225365, MONDO:0014589, OMIM 616329.
Maturity-onset diabetes of the young (MODY). Also called: Maturity onset diabetes mellitus in young. Identifiers: Orphanet 552, MedGen C0342276, MONDO:0018911, HP:0004904.
Diabetes mellitus, transient neonatal, 3 (TNDM3). Identifiers: Orphanet 99886, MedGen C1864623, MONDO:0012522, OMIM 610582. Disease mechanism: loss of function.
Hyperinsulinemic hypoglycemia, familial, 2. Also called: HYPERINSULINEMIC HYPOGLYCEMIA, PERSISTENT; HYPERINSULINISM, NEONATAL. Identifiers: Orphanet 276580, Orphanet 276603, MedGen C2931833, MONDO:0011153, OMIM 601820. Disease mechanism: loss of function.

Allele frequency attached by ClinVar (database versions not stated): gnomAD 0.00001; gnomAD exomes 0.00001; TOPMed 0.00001.
gnomAD v4.1: 2 of 312,198 alleles (0.00064%); highest among the groups gnomAD compares: Non-Finnish European, 0.0013%; no homozygotes.

Submissions (4):

Illumina Laboratory Services, Illumina
Classification: Uncertain significance for Hyperinsulinemic hypoglycemia, familial, 2. Last evaluated: 2018-01-13. Review status: criteria provided, single submitter. Criteria: ICSL Variant Classification Criteria 13 December 2019. Collection method: clinical testing. Allele origin: germline.

Illumina Laboratory Services, Illumina
Classification: Uncertain significance for Diabetes mellitus, transient neonatal, 3. Last evaluated: 2018-01-13. Review status: criteria provided, single submitter. Criteria: ICSL Variant Classification Criteria 13 December 2019. Collection method: clinical testing. Allele origin: germline.

Illumina Laboratory Services, Illumina
Classification: Uncertain significance for Maturity-onset diabetes of the young type 13. Last evaluated: 2018-01-13. Review status: criteria provided, single submitter. Criteria: ICSL Variant Classification Criteria 13 December 2019. Collection method: clinical testing. Allele origin: germline.

Clinical Genomics, Uppaluri K&H Personalized Medicine Clinic
Classification: Uncertain significance for Maturity-onset diabetes of the young. Review status: criteria provided, single submitter. Criteria: K & H Uppaluri Personalized Medicine Clinic Variant Classification & Assertion Criteria_Updated V.1. Collection method: research. Allele origin: somatic. Inheritance: Autosomal dominant inheritance.
Comment: Mutations in KCNJ11 gene can cause decreased production and secretion of insulin. This can lead to MODY which may be responsive to oral sulfonylureas. It is also associated with Neonatal Diabetes. However, no sufficient evidence is found to ascertain the role of this particular variant (rs886048044) in MODY yet.

Literature cited by the submitters: PubMed 26448950 (cited by Clinical Genomics, Uppaluri K&H Personalized Medicine Clinic); PubMed 15580558 (cited by Clinical Genomics, Uppaluri K&H Personalized Medicine Clinic); PubMed 15718250 (cited by Clinical Genomics, Uppaluri K&H Personalized Medicine Clinic); PubMed 32935446 (cited by Clinical Genomics, Uppaluri K&H Personalized Medicine Clinic); PubMed 22701567 (cited by Clinical Genomics, Uppaluri K&H Personalized Medicine Clinic).